The following is an entry in ClinVar:

ClinVar aggregate classification (germline): Uncertain significance. Review status: criteria provided, multiple submitters, no conflicts (2 of 4 stars). 3 submissions from 3 submitters: Uncertain significance (3). Last evaluated 2025-08-29.

Conditions:
Autoinflammatory syndrome. Identifiers: Orphanet 93665, MedGen C3890737, MONDO:0019751.
Inborn genetic diseases. Identifiers: MedGen C0950123, MeSH D030342.
Majeed syndrome (MJDS). Also called: CHRONIC RECURRENT MULTIFOCAL OSTEOMYELITIS 1, WITH CONGENITAL DYSERYTHROPOIETIC ANEMIA, WITH OR WITHOUT NEUTROPHILIC DERMATOSIS; LPIN2-Related Majeed Syndrome. Identifiers: Orphanet 77297, MedGen C1864997, MONDO:0012316, OMIM 609628.

Allele frequency attached by ClinVar (database versions not stated): ExAC 0.00001; gnomAD exomes 0.00001 and 0.00002; TOPMed 0.00002; gnomAD 0.00003 and 0.00004; 1000 Genomes Project 30x 0.00016; 1000 Genomes Project 0.00020.
gnomAD v4.1: 39 of 1,614,170 alleles (0.0024%); highest among the groups gnomAD compares: Non-Finnish European, 0.003%; no homozygotes.

Submissions (3):

Ambry Genetics
Classification: Uncertain significance for Inborn genetic diseases. Last evaluated: 2025-08-29. Review status: criteria provided, single submitter. Criteria: Ambry Variant Classification Scheme 2023. Collection method: clinical testing. Allele origin: germline.

Labcorp Genetics (formerly Invitae), Labcorp
Classification: Uncertain significance for Majeed syndrome. Last evaluated: 2022-06-24. Review status: criteria provided, single submitter. Criteria: Invitae Variant Classification Sherloc (09022015). Collection method: clinical testing. Allele origin: germline.
Comment: This sequence change replaces glutamic acid, which is acidic and polar, with lysine, which is basic and polar, at codon 479 of the LPIN2 protein (p.Glu479Lys). This variant is present in population databases (rs571085377, gnomAD 0.002%). This variant has not been reported in the literature in individuals affected with LPIN2-related conditions. ClinVar contains an entry for this variant (Variation ID: 1058260). Algorithms developed to predict the effect of missense changes on protein structure and function are either unavailable or do not agree on the potential impact of this missense change (SIFT: "Tolerated"; PolyPhen-2: "Possibly Damaging"; Align-GVGD: "Class C0"). In summary, the available evidence is currently insufficient to determine the role of this variant in disease. Therefore, it has been classified as a Variant of Uncertain Significance.

Genome Diagnostics Laboratory, The Hospital for Sick Children
Classification: Uncertain significance for Autoinflammatory syndrome. Last evaluated: 2020-01-01. Review status: criteria provided, single submitter. Criteria: ACMG Guidelines, 2015. Collection method: clinical testing. Allele origin: germline. Affected: yes.

NM_001375808.2(LPIN2):c.1435G>A (p.Glu479Lys)

Gene: LPIN2 (lipin 2; minus strand). Cytogenetic location: 18p11.31.
Variant type: single nucleotide variant.
Coding change: c.1435G>A on transcript NM_001375808.2 (MANE Select); coding-DNA position 1435, G replaced by A.
Protein change: p.Glu479Lys; replaces glutamic acid 479 with lysine.
Molecular consequence: missense variant.
Genome position (GRCh38, 1-based): chr18:2,931,277, C>T on the plus strand (G>A on the coding strand, the complement: LPIN2 is on the minus strand). VCF-style: chr18-2931277-C-T. GRCh37 (hg19) VCF-style: chr18-2931275-C-T.
Other names: c.1435G>A, p.Glu479Lys (NM_001375809.1, NM_014646.2); short protein forms E479K.
Identifiers: ClinVar variation 1058260 (VCV001058260.10), dbSNP rs571085377, ClinGen allele CA8873113.